The following is an entry in ClinVar:

ClinVar aggregate classification (germline): Likely benign. Review status: criteria provided, multiple submitters, no conflicts (2 of 4 stars). 4 submissions from 4 submitters: Likely benign (3). 1 of the submissions does not count toward it. Last evaluated 2025-12-03.

Conditions:
Nephronophthisis. Also called: Juvenile Nephronophthisis. Identifiers: Orphanet 655, MedGen C0687120, MONDO:0019005, HP:0000090.
NPHP4-related disorder. Also called: NPHP4-related condition; NPHP4-related disorders. Identifiers: MedGen CN239384.
Nephronophthisis 4 (NPHP4). Also called: NEPHRONOPHTHISIS 4, JUVENILE. Identifiers: Orphanet 655, MedGen C1847013, MONDO:0011752, OMIM 606966.
Senior-Loken syndrome 4 (SLSN4). Identifiers: Orphanet 3156, MedGen C1846979, MONDO:0011756, OMIM 606996.

Allele frequency attached by ClinVar (database versions not stated): 1000 Genomes Project 30x 0.00016; gnomAD exomes 0.00018; 1000 Genomes Project 0.00020; ExAC 0.00023; gnomAD 0.00036 and 0.00039; TOPMed 0.00047; ESP Exome Variant Server 0.00056.
gnomAD v4.1: 437 of 1,613,788 alleles (0.027%); highest among the groups gnomAD compares: African/African-American, 0.087%; 1 homozygote.

Submissions (4):

Labcorp Genetics (formerly Invitae), Labcorp
Classification: Likely benign for Nephronophthisis. Last evaluated: 2025-12-03. Review status: criteria provided, single submitter. Criteria: Invitae Variant Classification Sherloc (09022015). Collection method: clinical testing. Allele origin: germline.

Blueprint Genetics
Classification: Likely benign. Last evaluated: 2024-11-05. Review status: criteria provided, single submitter. Criteria: ACMG Guidelines, 2015. Collection method: clinical testing. Allele origin: germline.

Fulgent Genetics
Classification: Likely benign for Nephronophthisis 4; Senior-Loken syndrome 4. Last evaluated: 2021-12-01. Review status: criteria provided, single submitter. Criteria: ACMG Guidelines, 2015. Collection method: clinical testing. Allele origin: unknown.

PreventionGenetics, part of Exact Sciences
Classification: Likely benign for NPHP4-related condition. Last evaluated: 2021-04-29. Review status: no assertion criteria provided. Collection method: clinical testing. Allele origin: germline. Not counted in ClinVar's aggregate classification.
Comment: This variant is classified as likely benign based on ACMG/AMP sequence variant interpretation guidelines (Richards et al. 2015 PMID: 25741868, with internal and published modifications).

NM_015102.5(NPHP4):c.117C>T (p.Asp39=)

Gene: NPHP4 (nephrocystin 4; minus strand). Cytogenetic location: 1p36.31.
Variant type: single nucleotide variant.
Coding change: c.117C>T on transcript NM_015102.5 (MANE Select); coding-DNA position 117, C replaced by T.
Protein change: p.Asp39=; no amino-acid change (aspartic acid 39 retained).
Molecular consequence: synonymous variant. On other transcripts: 5 prime UTR variant (1), non-coding transcript variant (1), intron variant (1).
Genome position (GRCh38, 1-based): chr1:5,986,173, G>A on the plus strand (C>T on the coding strand, the complement: NPHP4 is on the minus strand). VCF-style: chr1-5986173-G-A. GRCh37 (hg19) VCF-style: chr1-6046233-G-A.
Other names: c.-1113C>T (NM_001291593.2); c.-1088+6071C>T (NM_001291594.2).
Identifiers: ClinVar variation 701415 (VCV000701415.12), dbSNP rs368118106, ClinGen allele CA554945.